The following is an entry in ClinVar:

NM_000179.3(MSH6):c.3604A>T (p.Met1202Leu)

Gene: MSH6 (mutS homolog 6; plus strand). Cytogenetic location: 2p16.3.
Variant type: single nucleotide variant.
Coding change: c.3604A>T on transcript NM_000179.3 (MANE Select); coding-DNA position 3604, A replaced by T.
Protein change: p.Met1202Leu; replaces methionine 1202 with leucine.
Molecular consequence: missense variant.
Genome position (GRCh38, 1-based): chr2:47,805,665, A>T. VCF-style: chr2-47805665-A-T. GRCh37 (hg19) VCF-style: chr2-48032804-A-T.
Other names: c.3214A>T, p.Met1072Leu (NM_001281492.2); c.2698A>T, p.Met900Leu (NM_001281493.2, NM_001281494.2); short protein forms M1202L, M900L, M1072L.
Identifiers: ClinVar variation 491954 (VCV000491954.25), dbSNP rs369778514, ClinGen allele CA346760558.

ClinVar aggregate classification (germline): Conflicting classifications of pathogenicity. Review status: criteria provided, conflicting classifications (1 of 4 stars). 7 submissions from 7 submitters: Uncertain significance (6); Likely benign (1). Last evaluated 2025-09-10.

Conditions:
Mismatch repair cancer syndrome 3. Identifiers: MedGen C5436807, MONDO:0030841, OMIM 619097.
Endometrial carcinoma. Also called: Endometrial carcinoma, somatic. Identifiers: MedGen C0476089, MONDO:0002447, OMIM 608089, HP:0012114.
Lynch syndrome 5 (LYNCH5). Also called: Colorectal cancer, hereditary nonpolyposis, type 5; Hereditary non-polyposis colorectal cancer, type 5. Identifiers: Orphanet 144, MedGen C1833477, MONDO:0013710, OMIM 614350. Disease mechanism: loss of function.
Lynch syndrome. Identifiers: Orphanet 144, MedGen C4552100, MONDO:0005835. Disease mechanism: loss of function.
Hereditary nonpolyposis colorectal neoplasms. Identifiers: MedGen C0009405, MeSH D003123.
Hereditary cancer-predisposing syndrome. Also called: Hereditary neoplastic syndrome; Tumor predisposition; Hereditary Cancer Syndrome; Neoplastic Syndromes, Hereditary. Identifiers: Orphanet 140162, MedGen C0027672, MeSH D009386, MONDO:0015356.

Allele frequency attached by ClinVar (database versions not stated): gnomAD 0.00003.

Submissions (7):

Labcorp Genetics (formerly Invitae), Labcorp
Classification: Likely benign for Hereditary nonpolyposis colorectal neoplasms. Last evaluated: 2025-09-10. Review status: criteria provided, single submitter. Criteria: Invitae Variant Classification Sherloc (09022015). Collection method: clinical testing. Allele origin: germline.

Ambry Genetics
Classification: Uncertain significance for Hereditary cancer-predisposing syndrome. Last evaluated: 2025-02-24. Review status: criteria provided, single submitter. Criteria: Ambry Variant Classification Scheme 2023. Collection method: clinical testing. Allele origin: germline.
Comment: The p.M1202L variant (also known as c.3604A>T), located in coding exon 7 of the MSH6 gene, results from an A to T substitution at nucleotide position 3604. The methionine at codon 1202 is replaced by leucine, an amino acid with highly similar properties. This amino acid position is poorly conserved in available vertebrate species. In addition, this alteration is predicted to be tolerated by in silico analysis. Since supporting evidence is limited at this time, the clinical significance of this alteration remains unclear.

Fulgent Genetics
Classification: Uncertain significance for Endometrial carcinoma; Lynch syndrome 5; Mismatch repair cancer syndrome 3. Last evaluated: 2024-06-22. Review status: criteria provided, single submitter. Criteria: ACMG Guidelines, 2015. Collection method: clinical testing. Allele origin: germline.

Color Diagnostics, LLC DBA Color Health
Classification: Uncertain significance for Hereditary cancer-predisposing syndrome. Last evaluated: 2024-03-06. Review status: criteria provided, single submitter. Criteria: ACMG Guidelines, 2015. Collection method: clinical testing. Allele origin: germline.
Comment: This missense variant replaces methionine with leucine at codon 1202 of the MSH6 protein. Computational prediction suggests that this variant may not impact protein structure and function (internally defined REVEL score threshold <= 0.5, PMID: 27666373). To our knowledge, functional studies have not been reported for this variant. This variant has not been reported in individuals affected with MSH6-related disorders in the literature. This variant has been identified in 3/282820 chromosomes in the general population by the Genome Aggregation Database (gnomAD). The available evidence is insufficient to determine the role of this variant in disease conclusively. Therefore, this variant is classified as a Variant of Uncertain Significance.

All of Us Research Program, National Institutes of Health
Classification: Uncertain significance for Lynch syndrome. Last evaluated: 2024-02-05. Review status: criteria provided, single submitter. Criteria: ACMG Guidelines, 2015. Collection method: clinical testing. Allele origin: germline. Inheritance: Autosomal dominant inheritance. Observed: 5 variant alleles, 5 heterozygotes.
Comment: This missense variant replaces methionine with leucine at codon 1202 of the MSH6 protein. Computational prediction suggests that this variant may not impact protein structure and function (internally defined REVEL score threshold <= 0.5, PMID: 27666373). To our knowledge, functional studies have not been reported for this variant. This variant has not been reported in individuals affected with MSH6-related disorders in the literature. This variant has been identified in 3/282820 chromosomes in the general population by the Genome Aggregation Database (gnomAD). The available evidence is insufficient to determine the role of this variant in disease conclusively. Therefore, this variant is classified as a Variant of Uncertain Significance.

This study involves interpretation of variants in research participants for the purpose of population health screening. Participant phenotype was not available at the time of variant classification. Additional details can be found in publication PMID: 35346344, PMCID: PMC8962531

Laboratory for Molecular Medicine, Mass General Brigham Personalized Medicine
Classification: Uncertain significance. Last evaluated: 2017-03-06. Review status: criteria provided, single submitter. Criteria: LMM Criteria. Collection method: clinical testing. Allele origin: germline. Observed: 1 variant allele.
Comment: The p.Met1202Leu variant in MSH6 has not been previously reported in individuals with Lynch syndrome and was absent from large population studies. Computational prediction tools and conservation analysis suggest that the p.Met1202Leu varian t may not impact the protein, though this information is not predictive enough t o rule out pathogenicity. In summary, the clinical significance of the p.Met1202 Leu variant is uncertain.

Women's Health and Genetics/Laboratory Corporation of America, LabCorp
Classification: Uncertain significance. Last evaluated: 2016-12-12. Review status: criteria provided, single submitter. Criteria: LabCorp Variant Classification Summary - May 2015. Collection method: clinical testing. Allele origin: germline.
Comment: Variant summary: The MSH6 c.3604A>T (p.Met1202Leu) variant is located in the P-loop containing nucleoside triphosphate hydrolase and DNA mismatch repair protein MutS, C-terminal domains (via InterPro) and involves a conserved nucleotide. 5/5 in silico tools predict a benign outcome for this variant, although these predictions have yet to be functionally assessed. The variant of interest was not observed in the large and broad control populations from ExAC (0/121324 chromosomes). The variant of interest has not, to our knowledge, been reported in affected individuals via publications. Therefore, until additional information becomes available (i.e., clinical and functional studies), the variant of interest has been classified as a "Variant of Uncertain Significance (VUS)."